The following is an entry in ClinVar:

ClinVar aggregate classification (germline): Uncertain significance (1 of 4 stars; one submission).

Conditions:
Cardiovascular phenotype. Identifiers: MedGen CN230736.

Submission:

Ambry Genetics
Classification: Uncertain significance for Cardiovascular phenotype. Last evaluated: 2020-09-02. Review status: criteria provided, single submitter. Criteria: Ambry Variant Classification Scheme 2023. Collection method: clinical testing. Allele origin: germline.
Comment: NOT REPORTED (OUT OF RANGE)

NM_201596.3(CACNB2):c.1301_1302+6dup

Gene: CACNB2 (calcium voltage-gated channel auxiliary subunit beta 2; plus strand). Cytogenetic location: 10p12.31.
Variant type: Duplication.
Coding change: c.1301_1302+6dup on transcript NM_201596.3 (MANE Select); coding-DNA position 1301 through 6 bases into the intron after coding-DNA position 1302, 8 bases duplicated (CAGTAAGT; older notation c.1301_1302+6dupCAGTAAGT).
Molecular consequence: splice donor variant.
Genome position (GRCh38, 1-based): chr10:18,536,195-18,536,202, CAGTAAGT duplicated. VCF-style (leftmost placement, unchanged base first): chr10-18536194-C-CCAGTAAGT. GRCh37 (hg19) VCF-style: chr10-18825123-C-CCAGTAAGT.
Other names: c.1217_1218+6dup (NM_201571.4); c.1103_1104+6dup (NM_001167945.2); c.1145_1146+6dup (NM_201572.4); c.1187_1188+6dup (NM_201593.3); c.1229_1230+6dup (NM_201597.3); c.1136_1137+6dup (NM_000724.4); c.1022_1023+6dup (NM_001330060.2); c.1139_1140+6dup (NM_201590.3); and 2 more.
Identifiers: ClinVar variation 3230189 (VCV003230189.1), dbSNP rs2494820392, ClinGen allele CA2825001665.